The following is an entry in ClinVar:

ClinVar aggregate classification (germline): Uncertain significance. Review status: criteria provided, multiple submitters, no conflicts (2 of 4 stars). 2 submissions from 2 submitters: Uncertain significance (2). Last evaluated 2024-05-20.

Conditions:
Congenital contractural arachnodactyly (CCA). Also called: Arthrogryposis, distal, type 9; BEALS SYNDROME; Beals-Hecht syndrome. Identifiers: Orphanet 115, MedGen C0220668, MONDO:0007363, OMIM 121050.
Familial thoracic aortic aneurysm and aortic dissection (TAAD). Also called: Thoracic aortic aneurysms and dissections. Identifiers: Orphanet 91387, MedGen C4707243, MONDO:0019625.

Submissions (2):

Ambry Genetics
Classification: Uncertain significance for Familial thoracic aortic aneurysm and aortic dissection. Last evaluated: 2024-05-20. Review status: criteria provided, single submitter. Criteria: Ambry Variant Classification Scheme 2023. Collection method: clinical testing. Allele origin: germline.
Comment: The c.435A>G variant (also known as p.S145S), located in coding exon 3 of the FBN2 gene, results from an A to G substitution at nucleotide position 435. This nucleotide substitution does not change the serine at codon 145. This nucleotide position is well conserved in available vertebrate species. In silico splice site analysis for this alteration is inconclusive. Based on the available evidence, the clinical significance of this variant remains unclear.

Labcorp Genetics (formerly Invitae), Labcorp
Classification: Uncertain significance for Congenital contractural arachnodactyly. Last evaluated: 2022-05-05. Review status: criteria provided, single submitter. Criteria: Invitae Variant Classification Sherloc (09022015). Collection method: clinical testing. Allele origin: germline.
Comment: This variant has not been reported in the literature in individuals affected with FBN2-related conditions. This variant is not present in population databases (gnomAD no frequency). This sequence change affects codon 145 of the FBN2 mRNA. It is a 'silent' change, meaning that it does not change the encoded amino acid sequence of the FBN2 protein. It affects a nucleotide within the consensus splice site. Algorithms developed to predict the effect of sequence changes on RNA splicing suggest that this variant is not likely to affect RNA splicing. In summary, the available evidence is currently insufficient to determine the role of this variant in disease. Therefore, it has been classified as a Variant of Uncertain Significance.

NM_001999.4(FBN2):c.435A>G (p.Ser145=)

Gene: FBN2 (fibrillin 2; minus strand). Cytogenetic location: 5q23.3.
Variant type: single nucleotide variant.
Coding change: c.435A>G on transcript NM_001999.4 (MANE Select); coding-DNA position 435, A replaced by G.
Protein change: p.Ser145=; no amino-acid change (serine 145 retained).
Molecular consequence: synonymous variant.
Genome position (GRCh38, 1-based): chr5:128,530,596, T>C on the plus strand (A>G on the coding strand, the complement: FBN2 is on the minus strand). VCF-style: chr5-128530596-T-C. GRCh37 (hg19) VCF-style: chr5-127866289-T-C.
Other names: c.435A>G (NM_001999.3).
Identifiers: ClinVar variation 2048679 (VCV002048679.5), dbSNP rs1756675939, ClinGen allele CA446308541.